The following is an entry in ClinVar:

ClinVar aggregate classification (germline): Uncertain significance (1 of 4 stars; one submission).

Allele frequency attached by ClinVar (database versions not stated): ExAC 0.00001; ESP Exome Variant Server 0.00008.
gnomAD v4.1: 2 of 1,613,916 alleles (0.00012%); highest among the groups gnomAD compares: Non-Finnish European, 0.00017%; no homozygotes.

Submission:

Labcorp Genetics (formerly Invitae), Labcorp
Classification: Uncertain significance. Last evaluated: 2022-02-19. Review status: criteria provided, single submitter. Criteria: Invitae Variant Classification Sherloc (09022015). Collection method: clinical testing. Allele origin: germline.
Comment: In summary, the available evidence is currently insufficient to determine the role of this variant in disease. Therefore, it has been classified as a Variant of Uncertain Significance. Algorithms developed to predict the effect of missense changes on protein structure and function (SIFT, PolyPhen-2, Align-GVGD) all suggest that this variant is likely to be disruptive. This variant has not been reported in the literature in individuals affected with HERC1-related conditions. This variant is present in population databases (rs367585281, gnomAD 0.0009%). This sequence change replaces aspartic acid, which is acidic and polar, with glutamic acid, which is acidic and polar, at codon 4617 of the HERC1 protein (p.Asp4617Glu).

NM_003922.4(HERC1):c.13851C>A (p.Asp4617Glu)

Gene: HERC1 (HECT and RLD domain containing E3 ubiquitin protein ligase family member 1; minus strand). Cytogenetic location: 15q22.31.
Variant type: single nucleotide variant.
Coding change: c.13851C>A on transcript NM_003922.4 (MANE Select); coding-DNA position 13851, C replaced by A.
Protein change: p.Asp4617Glu; replaces aspartic acid 4617 with glutamic acid.
Molecular consequence: missense variant.
Genome position (GRCh38, 1-based): chr15:63,616,520, G>T on the plus strand (C>A on the coding strand, the complement: HERC1 is on the minus strand). VCF-style: chr15-63616520-G-T. GRCh37 (hg19) VCF-style: chr15-63908719-G-T.
Other names: short protein forms D4617E.
Identifiers: ClinVar variation 2099521 (VCV002099521.4), dbSNP rs367585281, ClinGen allele CA7603638.